The following is an entry in ClinVar:

ClinVar aggregate classification (germline): Likely benign (1 of 4 stars; one submission).

Submission:

CeGaT Center for Human Genetics Tuebingen
Classification: Likely benign. Last evaluated: 2026-09-01. Review status: criteria provided, single submitter. Criteria: CeGaT Center For Human Genetics Tuebingen Variant Classification Criteria Version 2. Collection method: clinical testing. Allele origin: germline. Affected: yes. Observed: 3 variant alleles.
Comment: KLF18: BS2

NM_001358438.1(KLF18):c.1295G>A (p.Gly432Glu)

Gene: KLF18 (KLF transcription factor 18; minus strand). Cytogenetic location: 1p34.1.
Variant type: single nucleotide variant.
Coding change: c.1295G>A on transcript NM_001358438.1 (MANE Select); coding-DNA position 1295, G replaced by A.
Protein change: p.Gly432Glu; replaces glycine 432 with glutamic acid.
Molecular consequence: missense variant.
Genome position (GRCh38, 1-based): chr1:44,140,337, C>T on the plus strand (G>A on the coding strand, the complement: KLF18 is on the minus strand). VCF-style: chr1-44140337-C-T. GRCh37 (hg19) VCF-style: chr1-44606009-C-T.
Other names: short protein forms G432E.
Identifiers: ClinVar variation 4084385 (VCV004084385.8).